The following is an entry in ClinVar:

NM_020207.7(ERCC6L2):c.1464T>A (p.Asp488Glu)

Gene: ERCC6L2 (ERCC excision repair 6 like 2; plus strand). Cytogenetic location: 9q22.32.
Variant type: single nucleotide variant.
Coding change: c.1464T>A on transcript NM_020207.7 (MANE Select); coding-DNA position 1464, T replaced by A.
Protein change: p.Asp488Glu; replaces aspartic acid 488 with glutamic acid.
Molecular consequence: missense variant. On other transcripts: non-coding transcript variant (1).
Genome position (GRCh38, 1-based): chr9:95,923,310, T>A. VCF-style: chr9-95923310-T-A. GRCh37 (hg19) VCF-style: chr9-98685592-T-A.
Other names: c.1464T>A, p.Asp488Glu (NM_001010895.4, NM_001375291.1, NM_001375292.1 and 2 more transcripts); short protein forms D488E.
Identifiers: ClinVar variation 4618737 (VCV004618737.1).

ClinVar aggregate classification (germline): Uncertain significance (1 of 4 stars; one submission).

Conditions:
Inborn genetic diseases. Identifiers: MedGen C0950123, MeSH D030342.

Submission:

Ambry Genetics
Classification: Uncertain significance for Inborn genetic diseases. Last evaluated: 2025-10-22. Review status: criteria provided, single submitter. Criteria: Ambry Variant Classification Scheme 2023. Collection method: clinical testing. Allele origin: germline.
Comment: The p.D488E variant (also known as c.1464T>A), located in coding exon 9 of the ERCC6L2 gene, results from a T to A substitution at nucleotide position 1464. The aspartic acid at codon 488 is replaced by glutamic acid, an amino acid with highly similar properties. This amino acid position is conserved. In addition, this alteration is predicted to be tolerated by in silico analysis. Based on the available evidence, the clinical significance of this variant remains unclear.